The following is an entry in ClinVar:

NC_000017.10:g.(?_8146283)_(8151354_?)del

Gene: CTC1 (CST telomere replication complex component 1; minus strand). Cytogenetic location: 17p13.1.
Variant type: Deletion.
Identifiers: ClinVar variation 3242937 (VCV003242937.1).

ClinVar aggregate classification (germline): Pathogenic (1 of 4 stars; one submission).

Conditions:
Dyskeratosis congenita. Identifiers: Orphanet 1775, MedGen C0265965, MONDO:0015780.

Submission:

Labcorp Genetics (formerly Invitae), Labcorp
Classification: Pathogenic for Dyskeratosis congenita. Last evaluated: 2022-06-27. Review status: criteria provided, single submitter. Criteria: Invitae Variant Classification Sherloc (09022015). Collection method: clinical testing. Allele origin: unknown.
Comment: For these reasons, this variant has been classified as Pathogenic. This variant has not been reported in the literature in individuals affected with CTC1-related conditions. This variant is a gross deletion of the genomic region encompassing exon(s) 1-2 of the CTC1 gene, which includes the initiator codon. This deletion extends beyond the assayed region for this gene and therefore may encompass additional genes. It is expected to result in an absent or disrupted protein product. Loss-of-function variants in CTC1 are known to be pathogenic (PMID: 22267198, 22387016).

Literature cited by the submitters: PubMed 22267198; PubMed 22387016.